The following is an entry in ClinVar:

ClinVar aggregate classification (germline): Pathogenic (1 of 4 stars; one submission).

Submission:

Labcorp Genetics (formerly Invitae), Labcorp
Classification: Pathogenic. Last evaluated: 2022-10-27. Review status: criteria provided, single submitter. Criteria: Invitae Variant Classification Sherloc (09022015). Collection method: clinical testing. Allele origin: germline.
Comment: For these reasons, this variant has been classified as Pathogenic. This variant disrupts a region of the BMP1 protein in which other variant(s) (p.Gly12Arg) have been determined to be pathogenic (PMID: 22482805, 24091809, 29499418). This suggests that this is a clinically significant region of the protein, and that variants that disrupt it are likely to be disease-causing. ClinVar contains an entry for this variant (Variation ID: 1433797). This variant has not been reported in the literature in individuals affected with BMP1-related conditions. This variant is not present in population databases (gnomAD no frequency). This sequence change affects the initiator methionine of the BMP1 mRNA. The next in-frame methionine is located at codon 155.

Literature cited by the submitters: PubMed 22482805; PubMed 24091809; PubMed 29499418.

NM_006129.5(BMP1):c.2T>C (p.Met1Thr)

Genes: BMP1 (bone morphogenetic protein 1; plus strand), LOC129999976 (ATAC-STARR-seq lymphoblastoid silent region 18982; plus strand). Cytogenetic location: 8p21.3.
Variant type: single nucleotide variant.
Coding change: c.2T>C on transcript NM_006129.5 (MANE Select); coding-DNA position 2, T replaced by C.
Protein change: p.Met1Thr; changes the start codon (methionine 1).
Molecular consequence: missense variant, initiator codon variant. On other transcripts: non-coding transcript variant (2).
Genome position (GRCh38, 1-based): chr8:22,165,407, T>C. VCF-style: chr8-22165407-T-C. GRCh37 (hg19) VCF-style: chr8-22022920-T-C.
Other names: c.2T>C, p.Met1Thr (NM_001199.4); short protein forms M1T.
Identifiers: ClinVar variation 1433797 (VCV001433797.6), dbSNP rs2131830295, ClinGen allele CA370539598.